The following is an entry in ClinVar:

NM_003200.5(TCF3):c.1599C>T (p.Asp533=)

Gene: TCF3 (transcription factor 3; minus strand). Cytogenetic location: 19p13.3.
Variant type: single nucleotide variant.
Coding change: c.1599C>T on transcript NM_003200.5 (MANE Select); coding-DNA position 1599, C replaced by T.
Protein change: p.Asp533=; no amino-acid change (aspartic acid 533 retained).
Molecular consequence: synonymous variant. On other transcripts: intron variant (2).
Genome position (GRCh38, 1-based): chr19:1,615,508, G>A on the plus strand (C>T on the coding strand, the complement: TCF3 is on the minus strand). VCF-style: chr19-1615508-G-A. GRCh37 (hg19) VCF-style: chr19-1615507-G-A.
Other names: c.1596C>T, p.Asp532= (NM_001351778.2); c.1586+178C>T (NM_001136139.4, NM_001351779.2).
Identifiers: ClinVar variation 1642701 (VCV001642701.11), dbSNP rs752448046, ClinGen allele CA9049687.

ClinVar aggregate classification (germline): Likely benign. Review status: criteria provided, multiple submitters, no conflicts (2 of 4 stars). 3 submissions from 3 submitters: Likely benign (3). Last evaluated 2026-06-01.

Allele frequency attached by ClinVar (database versions not stated): gnomAD 0.00005; gnomAD exomes 0.00006 and 0.00027; TOPMed 0.00011; ExAC 0.00030.
gnomAD v4.1: 92 of 1,608,444 alleles (0.0057%); highest among the groups gnomAD compares: Admixed American, 0.1%; no homozygotes.

Submissions (3):

CeGaT Center for Human Genetics Tuebingen
Classification: Likely benign. Last evaluated: 2026-06-01. Review status: criteria provided, single submitter. Criteria: CeGaT Center For Human Genetics Tuebingen Variant Classification Criteria Version 2. Collection method: clinical testing. Allele origin: germline. Affected: yes. Observed: 1 variant allele.
Comment: TCF3: BS1

Labcorp Genetics (formerly Invitae), Labcorp
Classification: Likely benign. Last evaluated: 2025-12-11. Review status: criteria provided, single submitter. Criteria: Invitae Variant Classification Sherloc (09022015). Collection method: clinical testing. Allele origin: germline.

Blueprint Genetics
Classification: Likely benign. Last evaluated: 2023-06-13. Review status: criteria provided, single submitter. Criteria: ACMG Guidelines, 2015. Collection method: clinical testing. Allele origin: germline.